The following is an entry in ClinVar:

NM_004706.4(ARHGEF1):c.161G>A (p.Arg54Gln)

Gene: ARHGEF1 (Rho guanine nucleotide exchange factor 1; plus strand). Cytogenetic location: 19q13.2.
Variant type: single nucleotide variant.
Coding change: c.161G>A on transcript NM_004706.4 (MANE Select); coding-DNA position 161, G replaced by A.
Protein change: p.Arg54Gln; replaces arginine 54 with glutamine.
Molecular consequence: missense variant. On other transcripts: non-coding transcript variant (2).
Genome position (GRCh38, 1-based): chr19:41,888,801, G>A. VCF-style: chr19-41888801-G-A. GRCh37 (hg19) VCF-style: chr19-42392872-G-A.
Other names: c.161G>A, p.Arg54Gln (NM_001396000.1, NM_001396002.1, NM_001396003.1 and 3 more transcripts); c.206G>A, p.Arg69Gln (NM_199002.2); short protein forms R69Q, R54Q.
Identifiers: ClinVar variation 2173687 (VCV002173687.4), dbSNP rs367720737, ClinGen allele CA9465806.
Genomic context (GRCh38, chr19:41,888,801, plus strand): 5'-TGCACCCCCAGAACTCAGAAGAGCAAAACAGCCAGTTCCAGAGCCTGGAGCAGGTGAAGC[G>A]GCGCCCAGCCCACCTCATGGCCCTCCTGCAGCACGTGGCCCTGCAGTTTGAGCCAGGACC-3'
Protein context (NP_004697.2, residues 44-64): SQFQSLEQVK[Arg54Gln]RPAHLMALLQ

ClinVar aggregate classification (germline): Uncertain significance (1 of 4 stars; one submission).

Allele frequency attached by ClinVar (database versions not stated): ExAC 0.00001; gnomAD exomes 0.00001; gnomAD 0.00007; TOPMed 0.00007; ESP Exome Variant Server 0.00015.
gnomAD v4.1: 19 of 1,614,112 alleles (0.0012%); highest among the groups gnomAD compares: African/African-American, 0.02%; no homozygotes.

Submission:

Labcorp Genetics (formerly Invitae), Labcorp
Classification: Uncertain significance. Last evaluated: 2025-01-27. Review status: criteria provided, single submitter. Criteria: Invitae Variant Classification Sherloc (09022015). Collection method: clinical testing. Allele origin: germline.
Comment: This sequence change replaces arginine, which is basic and polar, with glutamine, which is neutral and polar, at codon 69 of the ARHGEF1 protein (p.Arg69Gln). This variant is present in population databases (rs367720737, gnomAD 0.02%). This variant has not been reported in the literature in individuals affected with ARHGEF1-related conditions. ClinVar contains an entry for this variant (Variation ID: 2173687). An algorithm developed to predict the effect of missense changes on protein structure and function outputs the following: PolyPhen-2: "Benign". The glutamine amino acid residue is found in multiple mammalian species, which suggests that this missense change does not adversely affect protein function. In summary, the available evidence is currently insufficient to determine the role of this variant in disease. Therefore, it has been classified as a Variant of Uncertain Significance.